The following is an entry in ClinVar:

ClinVar aggregate classification (germline): Uncertain significance (1 of 4 stars; one submission).

gnomAD v4.1: 87 of 1,613,846 alleles (0.0054%); highest among the groups gnomAD compares: Non-Finnish European, 0.0071%; no homozygotes.

Submission:

Labcorp Genetics (formerly Invitae), Labcorp
Classification: Uncertain significance. Last evaluated: 2025-05-08. Review status: criteria provided, single submitter. Criteria: Invitae Variant Classification Sherloc (09022015). Collection method: clinical testing. Allele origin: germline.
Comment: This sequence change replaces proline, which is neutral and non-polar, with arginine, which is basic and polar, at codon 99 of the COL10A1 protein (p.Pro99Arg). This variant is present in population databases (rs774861042, gnomAD 0.006%). This variant has not been reported in the literature in individuals affected with COL10A1-related conditions. ClinVar contains an entry for this variant (Variation ID: 3621747). Invitae Evidence Modeling of protein sequence and biophysical properties (such as structural, functional, and spatial information, amino acid conservation, physicochemical variation, residue mobility, and thermodynamic stability) has been performed for this missense variant. However, the output from this modeling did not meet the statistical confidence thresholds required to predict the impact of this variant on COL10A1 protein function. In summary, the available evidence is currently insufficient to determine the role of this variant in disease. Therefore, it has been classified as a Variant of Uncertain Significance.

NM_000493.4(COL10A1):c.296C>G (p.Pro99Arg)

Genes: COL10A1 (collagen type X alpha 1 chain; minus strand), NT5DC1 (5'-nucleotidase domain containing 1; plus strand). Cytogenetic location: 6q22.1.
Variant type: single nucleotide variant.
Coding change: c.296C>G on transcript NM_000493.4 (MANE Select); coding-DNA position 296, C replaced by G.
Protein change: p.Pro99Arg; replaces proline 99 with arginine.
Molecular consequence: missense variant. On other transcripts: intron variant (1).
Genome position (GRCh38, 1-based): chr6:116,121,820, G>C on the plus strand (C>G on the coding strand, the complement: COL10A1 is on the minus strand). VCF-style: chr6-116121820-G-C. GRCh37 (hg19) VCF-style: chr6-116442983-G-C.
Other names: c.296C>G, p.Pro99Arg (NM_001424106.1, NM_001424107.1); c.529+3875G>C (NM_152729.3); short protein forms P99R.
Identifiers: ClinVar variation 3621747 (VCV003621747.2).